The following is an entry in ClinVar:

NM_001278716.2(FBXL4):c.1224C>G (p.Leu408=)

Gene: FBXL4 (F-box and leucine rich repeat protein 4; minus strand). Cytogenetic location: 6q16.1.
Variant type: single nucleotide variant.
Coding change: c.1224C>G on transcript NM_001278716.2 (MANE Select); coding-DNA position 1224, C replaced by G.
Protein change: p.Leu408=; no amino-acid change (leucine 408 retained).
Molecular consequence: synonymous variant. On other transcripts: non-coding transcript variant (2).
Genome position (GRCh38, 1-based): chr6:98,899,361, G>C on the plus strand (C>G on the coding strand, the complement: FBXL4 is on the minus strand). VCF-style: chr6-98899361-G-C. GRCh37 (hg19) VCF-style: chr6-99347237-G-C.
Other names: c.1224C>G, p.Leu408= (NM_012160.5).
Identifiers: ClinVar variation 437715 (VCV000437715.1), dbSNP rs771478220, ClinGen allele CA3933501.

ClinVar aggregate classification (germline): Uncertain significance (1 of 4 stars; one submission).

Conditions:
Mitochondrial DNA depletion syndrome 13. Also called: FBXL4-Related Encephalomyopathic Mitochondrial DNA Depletion Syndrome; Mitochondrial DNA depletion syndrome 13 (encephalomyopathic type). Identifiers: Orphanet 369897, MedGen C3809592, MONDO:0014198, OMIM 615471.

Allele frequency attached by ClinVar (database versions not stated): gnomAD exomes below 0.00001; ExAC 0.00001.
gnomAD v4.1: 2 of 1,613,848 alleles (0.00012%); highest among the groups gnomAD compares: African/African-American, 0.0013%; no homozygotes.

Submission:

Wong Mito Lab, Molecular and Human Genetics, Baylor College of Medicine
Classification: Uncertain significance for Mitochondrial DNA depletion syndrome 13. Last evaluated: 2017-08-10. Review status: criteria provided, single submitter. Criteria: ACMG Guidelines, 2015. Collection method: reference population. Allele origin: germline.
Comment: The NM_012160.4:c.1224C>G (NP_036292.2:p.Leu408=) [GRCH38: NC_000006.12:g.98899361G>C] variant in FBXL4 gene is interpretated to be a Uncertain Significance - Conflicting Evidence based on ACMG guidelines (PMID: 25741868). This variant meets one or more of the following evidence codes reported in the ACMG-guideline. PM2:This variant is absent in key population databases. BP4:Computational evidence/predictors indicate no impact on the FBXL4 structure, function, or protein-protein interaction. BP7:The variant is silent with non predicted splice impact. Based on this evidence code ClinGen Pathogenicity Calculator (PMID:28081714) suggested that the variant is Uncertain Significance - Conflicting Evidence.